The following is an entry in ClinVar:

NM_001127208.3(TET2):c.3113A>G (p.Lys1038Arg)

Genes: TET2 (tet methylcytosine dioxygenase 2; plus strand), TET2-AS1 (TET2 antisense RNA 1; minus strand). Cytogenetic location: 4q24.
Variant type: single nucleotide variant.
Coding change: c.3113A>G on transcript NM_001127208.3 (MANE Select); coding-DNA position 3113, A replaced by G.
Protein change: p.Lys1038Arg; replaces lysine 1038 with arginine.
Molecular consequence: missense variant.
Genome position (GRCh38, 1-based): chr4:105,237,055, A>G. VCF-style: chr4-105237055-A-G. GRCh37 (hg19) VCF-style: chr4-106158212-A-G.
Other names: c.3113A>G, p.Lys1038Arg (NM_017628.4); short protein forms K1038R.
Identifiers: ClinVar variation 3967547 (VCV003967547.1).

ClinVar aggregate classification (germline): Uncertain significance (1 of 4 stars; one submission).

Submission:

Ambry Genetics
Classification: Uncertain significance. Last evaluated: 2025-04-10. Review status: criteria provided, single submitter. Criteria: Ambry Variant Classification Scheme 2023. Collection method: clinical testing. Allele origin: germline.
Comment: The p.K1038R variant (also known as c.3113A>G), located in coding exon 1 of the TET2 gene, results from an A to G substitution at nucleotide position 3113. The lysine at codon 1038 is replaced by arginine, an amino acid with highly similar properties. This amino acid position is conserved. In addition, this alteration is predicted to be tolerated by in silico analysis. Based on the available evidence, the clinical significance of this variant remains unclear.